The following is an entry in ClinVar:

NM_021815.5(SLC5A7):c.101dup (p.Ser34fs)

Gene: SLC5A7 (solute carrier family 5 member 7; plus strand). Cytogenetic location: 2q12.3.
Variant type: Duplication.
Coding change: c.101dup on transcript NM_021815.5 (MANE Select); coding-DNA position 101, one base duplicated (G; older notation c.101dupG).
Protein change: p.Ser34fs; shifts the reading frame from serine 34.
Molecular consequence: frameshift variant. On other transcripts: 5 prime UTR variant (1), intron variant (1).
Genome position (GRCh38, 1-based): chr2:107,988,256, G duplicated. VCF-style (leftmost placement, unchanged base first): chr2-107988255-A-AG. GRCh37 (hg19) VCF-style: chr2-108604711-A-AG.
Other names: c.101dup, p.Ser34fs (NM_001305005.3); c.-604dup (NM_001305007.3); c.-138+1493dup (NM_001305006.3); short protein forms S34fs.
Identifiers: ClinVar variation 4788433 (VCV004788433.1).

ClinVar aggregate classification (germline): Pathogenic (1 of 4 stars; one submission).

Conditions:
Congenital myasthenic syndrome 20. Also called: Myasthenic syndrome, congenital, 20, presynaptic. Identifiers: MedGen C4310694, MONDO:0014939, OMIM 617143.
Neuronopathy, distal hereditary motor, type 7A. Also called: Neuronopathy, distal hereditary motor, type viia; NEURONOPATHY, DISTAL HEREDITARY MOTOR, HARDING TYPE VIIA; NEUROPATHY, DISTAL HEREDITARY MOTOR, HARDING TYPE VIIA; Neuronopathy, distal hereditary motor, autosomal dominant 7; HARPER-YOUNG MYOPATHY; HMN VIIA. Identifiers: Orphanet 139589, MedGen C1834703, MONDO:0008024, OMIM 158580.

Submission:

Labcorp Genetics (formerly Invitae), Labcorp
Classification: Pathogenic for Neuronopathy, distal hereditary motor, type 7A; Congenital myasthenic syndrome 20. Last evaluated: 2026-02-01. Review status: criteria provided, single submitter. Criteria: Invitae Variant Classification Sherloc (09022015). Collection method: clinical testing. Allele origin: germline.
Comment: This sequence change creates a premature translational stop signal (p.Ser34Argfs*40) in the SLC5A7 gene. It is expected to result in an absent or disrupted protein product. Loss-of-function variants in SLC5A7 are known to be pathogenic (PMID: 15173594, 27569547, 39135055). This variant is not present in population databases (gnomAD no frequency). This variant has not been reported in the literature in individuals affected with SLC5A7-related conditions. For these reasons, this variant has been classified as Pathogenic.

Literature cited by the submitters: PubMed 15173594; PubMed 27569547; PubMed 39135055.